The following is an entry in ClinVar:

ClinVar aggregate classification (germline): Uncertain significance (1 of 4 stars; one submission).

Conditions:
Adenylosuccinate lyase deficiency (ADSLD). Also called: ADSL DEFICIENCY. Identifiers: Orphanet 46, MedGen C0268126, MONDO:0007068, OMIM 103050.

Submission:

Labcorp Genetics (formerly Invitae), Labcorp
Classification: Uncertain significance for Adenylosuccinate lyase deficiency. Last evaluated: 2023-10-16. Review status: criteria provided, single submitter. Criteria: Invitae Variant Classification Sherloc (09022015). Collection method: clinical testing. Allele origin: germline.
Comment: This variant occurs in a non-coding region of the ADSL gene. It does not change the encoded amino acid sequence of the ADSL protein. This variant is not present in population databases (gnomAD no frequency). This variant has not been reported in the literature in individuals affected with ADSL-related conditions. Experimental studies and prediction algorithms are not available or were not evaluated, and the functional significance of this variant is currently unknown. In summary, the available evidence is currently insufficient to determine the role of this variant in disease. Therefore, it has been classified as a Variant of Uncertain Significance.

NC_000022.11:g.40346488G>A

Gene: ADSL (adenylosuccinate lyase; plus strand). Cytogenetic location: 22q13.1.
Variant type: single nucleotide variant.
Genome position: GRCh38 VCF-style: chr22-40346488-G-A. GRCh37 (hg19) VCF-style: chr22-40742492-G-A.
Identifiers: ClinVar variation 1350705 (VCV001350705.4), dbSNP rs2146611643, ClinGen allele CA2573158361.
Genomic context (GRCh38, chr22:40,346,488, plus strand): 5'-AGGGCGCCCGGAACCCAGAGAGCGAGACCGCGTGAAGGAAGTCCCGCCCCGCCCCGTCCT[G>A]CCCTGGCCTCCAGGTTTCCGCTTCCGCTCTTCCCTGGTCCAGTCCACCCTGGCGGGGTCG-3'